The following is an entry in ClinVar:

ClinVar aggregate classification (germline): Uncertain significance (1 of 4 stars; one submission).

Conditions:
Mosaic variegated aneuploidy syndrome 1 (MVA1). Also called: Warburton-Anyane-Yeboa syndrome. Identifiers: Orphanet 1052, MedGen C1850343, MONDO:0009759, OMIM 257300.

Allele frequency attached by ClinVar (database versions not stated): gnomAD exomes below 0.00001 and 0.00001; TOPMed below 0.00001; ExAC 0.00001.
gnomAD v4.1: 5 of 1,614,164 alleles (0.00031%); highest among the groups gnomAD compares: Non-Finnish European, 0.00042%; no homozygotes.

Submission:

Labcorp Genetics (formerly Invitae), Labcorp
Classification: Uncertain significance for Mosaic variegated aneuploidy syndrome 1. Last evaluated: 2024-04-08. Review status: criteria provided, single submitter. Criteria: Invitae Variant Classification Sherloc (09022015). Collection method: clinical testing. Allele origin: germline.
Comment: This sequence change replaces valine, which is neutral and non-polar, with glutamic acid, which is acidic and polar, at codon 910 of the BUB1B protein (p.Val910Glu). This variant is present in population databases (rs747000103, gnomAD 0.0009%). This variant has not been reported in the literature in individuals affected with BUB1B-related conditions. ClinVar contains an entry for this variant (Variation ID: 238665). An algorithm developed to predict the effect of missense changes on protein structure and function (PolyPhen-2) suggests that this variant is likely to be disruptive. In summary, the available evidence is currently insufficient to determine the role of this variant in disease. Therefore, it has been classified as a Variant of Uncertain Significance.

NM_001211.6(BUB1B):c.2729T>A (p.Val910Glu)

Genes: BUB1B (BUB1 mitotic checkpoint serine/threonine kinase B; plus strand), BUB1B-PAK6 (BUB1B-PAK6 readthrough; plus strand). Cytogenetic location: 15q15.1.
Variant type: single nucleotide variant.
Coding change: c.2729T>A on transcript NM_001211.6 (MANE Select); coding-DNA position 2729, T replaced by A.
Protein change: p.Val910Glu; replaces valine 910 with glutamic acid.
Molecular consequence: missense variant. On other transcripts: 5 prime UTR variant (2).
Genome position (GRCh38, 1-based): chr15:40,217,546, T>A. VCF-style: chr15-40217546-T-A. GRCh37 (hg19) VCF-style: chr15-40509747-T-A.
Other names: c.-322T>A (NM_001128628.3); c.-239T>A (NM_001128629.3); short protein forms V910E.
Identifiers: ClinVar variation 238665 (VCV000238665.11), dbSNP rs747000103, ClinGen allele CA7476110.